The following is an entry in ClinVar:

ClinVar aggregate classification (germline): Uncertain significance (1 of 4 stars; one submission).

Allele frequency attached by ClinVar (database versions not stated): gnomAD exomes below 0.00001.
gnomAD v4.1: 1 of 1,614,148 alleles (0.000062%); highest among the groups gnomAD compares: South Asian, 0.0011%; no homozygotes.

Submission:

Labcorp Genetics (formerly Invitae), Labcorp
Classification: Uncertain significance. Last evaluated: 2017-12-17. Review status: criteria provided, single submitter. Criteria: Invitae Variant Classification Sherloc (09022015). Collection method: clinical testing. Allele origin: germline.
Comment: In summary, the available evidence is currently insufficient to determine the role of this variant in disease. Therefore, it has been classified as a Variant of Uncertain Significance. Algorithms developed to predict the effect of missense changes on protein structure and function do not agree on the potential impact of this missense change (SIFT: "Tolerated"; PolyPhen-2: "Possibly Damaging"; Align-GVGD: "Class C0"). This variant has not been reported in the literature in individuals with A2ML1-related disease. This variant is not present in population databases (ExAC no frequency). This sequence change replaces phenylalanine with leucine at codon 1144 of the A2ML1 protein (p.Phe1144Leu). The phenylalanine residue is highly conserved and there is a small physicochemical difference between phenylalanine and leucine.

NM_144670.6(A2ML1):c.3430T>C (p.Phe1144Leu)

Gene: A2ML1 (alpha-2-macroglobulin like 1; plus strand). Cytogenetic location: 12p13.31.
Variant type: single nucleotide variant.
Coding change: c.3430T>C on transcript NM_144670.6 (MANE Select); coding-DNA position 3430, T replaced by C.
Protein change: p.Phe1144Leu; replaces phenylalanine 1144 with leucine.
Molecular consequence: missense variant.
Genome position (GRCh38, 1-based): chr12:8,861,225, T>C. VCF-style: chr12-8861225-T-C. GRCh37 (hg19) VCF-style: chr12-9013821-T-C.
Other names: c.1957T>C, p.Phe653Leu (NM_001282424.3); short protein forms F1144L, F653L.
Identifiers: ClinVar variation 1064086 (VCV001064086.9), dbSNP rs1198962521, ClinGen allele CA383840758.